The following is an entry in ClinVar:

NM_001201543.2(FAM161A):c.1217G>A (p.Cys406Tyr)

Gene: FAM161A (FAM161 centrosomal protein A; minus strand). Cytogenetic location: 2p15.
Variant type: single nucleotide variant.
Coding change: c.1217G>A on transcript NM_001201543.2 (MANE Select); coding-DNA position 1217, G replaced by A.
Protein change: p.Cys406Tyr; replaces cysteine 406 with tyrosine.
Molecular consequence: missense variant. On other transcripts: non-coding transcript variant (1).
Genome position (GRCh38, 1-based): chr2:61,839,787, C>T on the plus strand (G>A on the coding strand, the complement: FAM161A is on the minus strand). VCF-style: chr2-61839787-C-T. GRCh37 (hg19) VCF-style: chr2-62066922-C-T.
Other names: c.1217G>A, p.Cys406Tyr (NM_032180.3); short protein forms C406Y.
Identifiers: ClinVar variation 2184471 (VCV002184471.2), dbSNP rs2105081316, ClinGen allele CA346987011.

ClinVar aggregate classification (germline): Uncertain significance (1 of 4 stars; one submission).

Allele frequency attached by ClinVar (database versions not stated): gnomAD exomes below 0.00001; gnomAD 0.00001.
gnomAD v4.1: 9 of 1,614,096 alleles (0.00056%); highest among the groups gnomAD compares: Middle Eastern, 0.066%; no homozygotes.

Submission:

Labcorp Genetics (formerly Invitae), Labcorp
Classification: Uncertain significance. Last evaluated: 2023-10-03. Review status: criteria provided, single submitter. Criteria: Invitae Variant Classification Sherloc (09022015). Collection method: clinical testing. Allele origin: germline.
Comment: This sequence change replaces cysteine, which is neutral and slightly polar, with tyrosine, which is neutral and polar, at codon 406 of the FAM161A protein (p.Cys406Tyr). This variant is not present in population databases (gnomAD no frequency). This variant has not been reported in the literature in individuals affected with FAM161A-related conditions. ClinVar contains an entry for this variant (Variation ID: 2184471). Advanced modeling of protein sequence and biophysical properties (such as structural, functional, and spatial information, amino acid conservation, physicochemical variation, residue mobility, and thermodynamic stability) performed at Invitae indicates that this missense variant is not expected to disrupt FAM161A protein function. In summary, the available evidence is currently insufficient to determine the role of this variant in disease. Therefore, it has been classified as a Variant of Uncertain Significance.